The following is an entry in ClinVar:

NM_001378183.1(PIEZO2):c.6508G>A (p.Glu2170Lys)

Gene: PIEZO2 (piezo type mechanosensitive ion channel component 2; minus strand). Cytogenetic location: 18p11.22.
Variant type: single nucleotide variant.
Coding change: c.6508G>A on transcript NM_001378183.1 (MANE Select); coding-DNA position 6508, G replaced by A.
Protein change: p.Glu2170Lys; replaces glutamic acid 2170 with lysine.
Molecular consequence: missense variant.
Genome position (GRCh38, 1-based): chr18:10,699,111, C>T on the plus strand (G>A on the coding strand, the complement: PIEZO2 is on the minus strand). VCF-style: chr18-10699111-C-T. GRCh37 (hg19) VCF-style: chr18-10699109-C-T.
Other names: c.6244G>A, p.Glu2082Lys (NM_001410871.1); c.6169G>A, p.Glu2057Lys (NM_022068.4); short protein forms E2057K, E2082K, E2170K.
Identifiers: ClinVar variation 4883538 (VCV004883538.2).

ClinVar aggregate classification (germline): Uncertain significance (1 of 4 stars; one submission).

Conditions:
Marden-Walker syndrome (MWKS). Also called: Connective tissue disorder Marden Walker type. Identifiers: Orphanet 2461, MedGen C0796033, MONDO:0009564, OMIM 248700.

gnomAD v4.1: 1 of 1,537,260 alleles (0.000065%); highest among the groups gnomAD compares: Non-Finnish European, 0.000087%; no homozygotes.

Submission:

Dasa
Classification: Uncertain significance for Marden-Walker syndrome. Last evaluated: 2025-07-01. Review status: criteria provided, single submitter. Criteria: DASA Assertion Criteria. Collection method: clinical testing. Allele origin: germline.
Comment: NM_001378183.1(PIEZO2):c.6508G>A (p.Glu2170Lys) is a missense variant that results in the substitution of glutamic acid with lysine. This variant is rare in population databases. Computational prediction algorithms are consistent with a benign effect. The currently available literature and clinical evidence are not sufficient to establish a definitive association between this variant and the reported condition. Therefore, this variant is classified as a variant of uncertain significance.